The following is an entry in ClinVar:

NM_002834.5(PTPN11):c.1504T>G (p.Ser502Ala)

Gene: PTPN11 (protein tyrosine phosphatase non-receptor type 11; plus strand). Cytogenetic location: 12q24.13.
Variant type: single nucleotide variant.
Coding change: c.1504T>G on transcript NM_002834.5 (MANE Select); coding-DNA position 1504, T replaced by G.
Protein change: p.Ser502Ala; replaces serine 502 with alanine.
Molecular consequence: missense variant.
Genome position (GRCh38, 1-based): chr12:112,489,080, T>G. VCF-style: chr12-112489080-T-G. GRCh37 (hg19) VCF-style: chr12-112926884-T-G.
Other names: p.S502A:TCA>GCA; c.1516T>G, p.Ser506Ala (NM_001330437.2); c.1501T>G, p.Ser501Ala (NM_001374625.1); short protein forms S502A, S506A, S501A.
Identifiers: ClinVar variation 40556 (VCV000040556.31), dbSNP rs121918458, ClinGen allele CA273454.

ClinVar aggregate classification (germline): Pathogenic. Review status: criteria provided, multiple submitters, no conflicts (2 of 4 stars). 11 submissions from 11 submitters: Pathogenic (11). Last evaluated 2026-05-19.

Conditions:
Autosomal dominant PTPN11-related disorders.
PTPN11-related disorder. Also called: PTPN11-Related Disorders.
Cardiovascular phenotype. Identifiers: MedGen CN230736.
Juvenile myelomonocytic leukemia (JMML). Also called: LEUKEMIA, JUVENILE MYELOMONOCYTIC, SOMATIC. Identifiers: Orphanet 86834, MedGen C0349639, MONDO:0011908, OMIM 607785, HP:0012209.
Noonan syndrome (NS). Also called: Noonan's syndrome. Identifiers: Orphanet 648, MedGen C0028326, MeSH D009634, MONDO:0018997. Disease mechanism: gain of function.
RASopathy. Also called: rasopathies; Noonan spectrum disorder. Identifiers: Orphanet 536391, MedGen C5555857, MONDO:0021060.

Submissions 1 to 7 of 11:

PreventionGenetics, part of Exact Sciences
Classification: Pathogenic for PTPN11-related condition. Last evaluated: 2026-05-19. Review status: criteria provided, single submitter. Criteria: ACMG Guidelines, 2015. Collection method: clinical testing. Allele origin: germline.
Comment: The PTPN11 c.1504T>G variant is predicted to result in the amino acid substitution p.Ser502Ala. This variant has been reported to occur de novo in several individuals with Noonan syndrome (Kratz et al. 2005. PubMed ID: 15928039; Joyce et al. 2015. PubMed ID: 26242988; Li et al. 2019. PubMed ID: 31263281; internal data). This variant has also been observed as a somatic finding in individuals with juvenile myelomonocytic leukemia (Tartaglia et al. 2005. PubMed ID: 16358218; Sakaguchi et al. 2013. PubMed ID: 23832011). This variant has not been reported in a large population database (gnomAD), indicating this variant is rare. This variant is interpreted as pathogenic.

Labcorp Genetics (formerly Invitae), Labcorp
Classification: Pathogenic for RASopathy. Last evaluated: 2025-09-22. Review status: criteria provided, single submitter. Criteria: Invitae Variant Classification Sherloc (09022015). Collection method: clinical testing. Allele origin: germline.
Comment: This sequence change replaces serine, which is neutral and polar, with alanine, which is neutral and non-polar, at codon 502 of the PTPN11 protein (p.Ser502Ala). This variant is not present in population databases (gnomAD no frequency). This missense change has been observed in individual(s) with clinical features of PTPN11-related conditions (PMID: 15928039, 16358218, 26242988). In at least one individual the variant was observed to be de novo. ClinVar contains an entry for this variant (Variation ID: 40556). Invitae Evidence Modeling of protein sequence and biophysical properties (such as structural, functional, and spatial information, amino acid conservation, physicochemical variation, residue mobility, and thermodynamic stability) has been performed for this missense variant. However, the output from this modeling did not meet the statistical confidence thresholds required to predict the impact of this variant on PTPN11 protein function. This variant disrupts the p.Ser502 amino acid residue in PTPN11. Other variant(s) that disrupt this residue have been determined to be pathogenic (PMID: 12325025, 17020470, 19020799, 32164556). This suggests that this residue is clinically significant, and that variants that disrupt this residue are likely to be disease-causing. For these reasons, this variant has been classified as Pathogenic.

Variantyx, Inc.
Classification: Pathogenic for Autosomal dominant PTPN11-related disorders. Last evaluated: 2025-06-13. Review status: criteria provided, single submitter. Criteria: Variantyx Assertion Criteria 2022. Collection method: clinical testing. Allele origin: de novo. Inheritance: Autosomal dominant inheritance. Affected: yes.
Comment: This is a nonsynonymous variant in the PTPN11 gene (OMIM: 176876). Pathogenic variants in this gene have been associated with autosomal dominant PTPN11-related disorders. This variant has been reported in at least two unrelated affected individuals (PMID: 15928039, 23832011) (PS4_Moderate) and likely occurred de novo in the current proband and individuals reported in the published literature; however, the possibility of parental germline mosaicism cannot be excluded (PMID: 26242988, 31263281) (PS2). Multiple computational algorithms predict a deleterious effect for this variant (REVEL score: 0.923) (PP3). This variant is absent from control populations (PM2). The clinical symptoms reported for this proband are highly specific for autosomal dominant PTPN11-related disorders, which has a limited genetic etiology (PMID: 20301303) (PP4). Based on the current evidence, this variant is classified as pathogenic for autosomal dominant PTPN11-related disorders.

Ambry Genetics
Classification: Pathogenic for Cardiovascular phenotype. Last evaluated: 2025-04-14. Review status: criteria provided, single submitter. Criteria: Ambry Variant Classification Scheme 2023. Collection method: clinical testing. Allele origin: germline.
Comment: The p.S502A pathogenic mutation (also known as c.1504T>G), located in coding exon 13 of the PTPN11 gene, results from a T to G substitution at nucleotide position 1504. The serine at codon 502 is replaced by alanine, an amino acid with similar properties. This variant was reported in individual(s) with features consistent with Noonan syndrome; in at least one individual, it was determined to be de novo (Kratz CP et al. Blood, 2005 Sep;106:2183-5; Joyce S et al. Eur J Hum Genet, 2016 May;24:690-6; Bell JM et al. J Pediatr, 2021 Jul;234:134-141.e5; Shoji Y et al. Clin Pediatr Endocrinol, 2024 Feb;33:50-58; Ambry internal data). This variant has also been reported as somatic finding in association with hematological malignancies (Sakaguchi H et al. Nat Genet, 2013 Aug;45:937-41; Kim T et al. Leukemia, 2016 Feb;30:295-302). Other variant(s) at the same codon, p.S502T (c.1504T>A), have been identified in individual(s) with features consistent with Noonan syndrome (Athota JP et al. BMC Med Genet, 2020 Mar;21:50; Maheshwari M et al. Hum Mutat, 2002 Oct;20:298-304; Ambry internal data). This amino acid position is highly conserved in available vertebrate species. In addition, this alteration is predicted to be deleterious by in silico analysis. This variant is considered to be rare based on population cohorts in the Genome Aggregation Database (gnomAD). Based on the supporting evidence, this variant is interpreted as a disease-causing mutation for Noonan syndrome; however, it is unlikely to be causative of metachondromatosis.

ARUP Laboratories, Molecular Genetics and Genomics, ARUP Laboratories
Classification: Pathogenic. Last evaluated: 2024-06-12. Review status: criteria provided, single submitter. Criteria: ARUP Molecular Germline Variant Investigation Process 2024. Collection method: clinical testing. Allele origin: germline.
Comment: The PTPN11 c.1504T>G; p.Ser502Ala variant (rs121918458) has been reported in multiple individuals with Noonan syndrome (Joyce 2016, Kratz 2005, Sakaguchi 2013, Tartaglia 2006) or with clinical features of a neuro-cardio-facial-cutaneous syndrome (Ezquieta 2012). The variant is also reported in ClinVar (Variation ID: 40556). This variant is absent from the Genome Aggregation Database (v2.1.1), indicating it is not a common polymorphism. Additionally, other variants at this codon (c.1505C>T, p.Ser502Leu; c.1504T>A, p.Ser502Thr) have been reported in individuals with Noonan and LEOPARD syndromes and are considered to be causative (Tartaglia 2006). This serine residue is located in the phospho-tyrosine phosphatase domain of PTPN11 and interacts with the N-SH2 domain to mediate regulatory inhibition (Hof 1998). Computational analyses predict that this variant is deleterious (REVEL: 0.923). Based on available information, this variant is considered to be pathogenic. References: Ezquieta B et al. Alterations in RAS-MAPK genes in 200 Spanish patients with Noonan and other neuro-cardio-facio-cutaneous syndromes. Genotype and cardiopathy. Rev Esp Cardiol (Engl Ed). 2012 May. PMID: 22465605. Hof P et al. Crystal structure of the tyrosine phosphatase SHP-2. Cell. 1998 Feb 20. PMID: 9491886. Joyce S et al. The lymphatic phenotype in Noonan and Cardiofaciocutaneous syndrome. Eur J Hum Genet. 2016 May. PMID: 26242988. Kratz CP et al. The mutational spectrum of PTPN11 in juvenile myelomonocytic leukemia and Noonan syndrome/myeloproliferative disease. Blood. 2005 Sep 15. PMID: 15928039. Sakaguchi H et al. Exome sequencing identifies secondary mutations of SETBP1 and JAK3 in juvenile myelomonocytic leukemia. Nature genetics. 2013 Aug. PMID: 23832011. Tartaglia M et al. Diversity and functional consequences of germline and somatic PTPN11 mutations in human disease. Am J Hum Genet. 2006 Feb. PMID: 16358218.

Clinical Genetics Laboratory, Skane University Hospital Lund
Classification: Pathogenic. Last evaluated: 2022-05-27. Review status: criteria provided, single submitter. Criteria: ACMG Guidelines, 2015. Collection method: clinical testing. Allele origin: germline. Affected: yes.

GeneDx
Classification: Pathogenic. Last evaluated: 2022-01-24. Review status: criteria provided, single submitter. Criteria: GeneDx Variant Classification Process June 2021. Collection method: clinical testing. Allele origin: germline. Affected: yes.
Comment: Not observed in large population cohorts (gnomAD); In silico analysis supports that this missense variant has a deleterious effect on protein structure/function; Missense variants in this gene are often considered pathogenic (HGMD); This variant is associated with the following publications: (PMID: 23832011, 24803665, 15928039, 26242988, 15842656, 16358218, 31263281, 22465605, 18470943)